The following is an entry in ClinVar:

NM_001042517.2(DIAPH3):c.357G>C (p.Glu119Asp)

Gene: DIAPH3 (diaphanous related formin 3; minus strand). Cytogenetic location: 13q21.2.
Variant type: single nucleotide variant.
Coding change: c.357G>C on transcript NM_001042517.2 (MANE Select); coding-DNA position 357, G replaced by C.
Protein change: p.Glu119Asp; replaces glutamic acid 119 with aspartic acid.
Molecular consequence: missense variant. On other transcripts: intron variant (1).
Genome position (GRCh38, 1-based): chr13:60,112,043, C>G on the plus strand (G>C on the coding strand, the complement: DIAPH3 is on the minus strand). VCF-style: chr13-60112043-C-G. GRCh37 (hg19) VCF-style: chr13-60686177-C-G.
Other names: c.324G>C, p.Glu108Asp (NM_001258366.2, NM_001258367.2); c.357G>C, p.Glu119Asp (NM_001258369.2); c.181-18311G>C (NM_001258368.2); short protein forms E108D, E119D.
Identifiers: ClinVar variation 989303 (VCV000989303.14), dbSNP rs200771789, ClinGen allele CA6997031.

ClinVar aggregate classification (germline): Uncertain significance. Review status: criteria provided, multiple submitters, no conflicts (2 of 4 stars). 3 submissions from 3 submitters: Uncertain significance (3). Last evaluated 2025-03-04.

Conditions:
Autosomal dominant auditory neuropathy 1. Also called: AUDITORY NEUROPATHY, NONSYNDROMIC DOMINANT. Identifiers: Orphanet 90635, MedGen C1836743, MONDO:0012196, OMIM 609129.

Allele frequency attached by ClinVar (database versions not stated): ExAC 0.00018; gnomAD 0.00018 and 0.00019; TOPMed 0.00019; gnomAD exomes 0.00021; ESP Exome Variant Server 0.00051.
gnomAD v4.1: 753 of 1,614,030 alleles (0.047%); highest among the groups gnomAD compares: Non-Finnish European, 0.06%; 1 homozygote.

Submissions (3):

Labcorp Genetics (formerly Invitae), Labcorp
Classification: Uncertain significance. Last evaluated: 2025-03-04. Review status: criteria provided, single submitter. Criteria: Invitae Variant Classification Sherloc (09022015). Collection method: clinical testing. Allele origin: germline.
Comment: This sequence change replaces glutamic acid, which is acidic and polar, with aspartic acid, which is acidic and polar, at codon 119 of the DIAPH3 protein (p.Glu119Asp). This variant is present in population databases (rs200771789, gnomAD 0.04%). This variant has not been reported in the literature in individuals affected with DIAPH3-related conditions. ClinVar contains an entry for this variant (Variation ID: 989303). An algorithm developed to predict the effect of missense changes on protein structure and function (PolyPhen-2) suggests that this variant is likely to be tolerated. In summary, the available evidence is currently insufficient to determine the role of this variant in disease. Therefore, it has been classified as a Variant of Uncertain Significance.

GeneDx
Classification: Uncertain significance. Last evaluated: 2025-01-15. Review status: criteria provided, single submitter. Criteria: GeneDx Variant Classification Process June 2021. Collection method: clinical testing. Allele origin: germline. Affected: yes.
Comment: Identified in a patient and parent with progressive sensorineural hearing loss in published literature, however, the patient had multiple anomalies suggesting a previously undescribed skeletal dysplasia syndrome and variants of uncertain significance in other genes (PMID: 32426895); In silico analysis indicates that this missense variant does not alter protein structure/function; Variants in candidate genes are classified as variants of uncertain significance in accordance with ACMG guidelines (PMID: 25741868); This variant is associated with the following publications: (PMID: 32426895)

Illumina Laboratory Services, Illumina
Classification: Uncertain significance for Autosomal dominant auditory neuropathy 1. Last evaluated: 2019-04-30. Review status: criteria provided, single submitter. Criteria: ICSLVariantClassificationCriteria RUGD 01 April 2020. Collection method: clinical testing. Allele origin: unknown.
Comment: The DIAPH3 c.357G>C (p.Glu119Asp) variant is a missense variant. A literature search was performed for the gene, cDNA change, and amino acid change. No publications were found based on this search. This variant is not found in the Genome Aggregation Database in a region of good sequence coverage, so the variant is presumed to be rare. Based on the limited evidence, the p.Glu119Asp variant is classified as a variant of uncertain significance for auditory neuropathy.